The following is an entry in ClinVar:

ClinVar aggregate classification (germline): Likely benign. Review status: criteria provided, multiple submitters, no conflicts (2 of 4 stars). 2 submissions from 2 submitters: Likely benign (2). Last evaluated 2026-08-05.

Conditions:
AGRN-related disorder. Also called: AGRN-related condition.
Congenital myasthenic syndrome 8. Also called: MYASTHENIC SYNDROME, CONGENITAL, DUE TO AGRIN DEFICIENCY; Myasthenic syndrome, congenital, 8, with pre- and postsynaptic defects. Identifiers: Orphanet 590, MedGen C3808739, MONDO:0014052, OMIM 615120.

Allele frequency attached by ClinVar (database versions not stated): ESP Exome Variant Server 0.00008; 1000 Genomes Project 30x 0.00016; 1000 Genomes Project 0.00020; gnomAD exomes 0.00023; ExAC 0.00026.
gnomAD v4.1: 149 of 1,611,648 alleles (0.0092%); highest among the groups gnomAD compares: East Asian, 0.22%; 2 homozygotes.

Submissions (2):

PreventionGenetics, part of Exact Sciences
Classification: Likely benign for AGRN-related condition. Last evaluated: 2026-08-05. Review status: criteria provided, single submitter. Criteria: ACMG Guidelines, 2015. Collection method: clinical testing. Allele origin: germline.
Comment: This variant is classified as likely benign based on ACMG/AMP sequence variant interpretation guidelines (Richards et al. 2015 PMID: 25741868, with internal and published modifications).

Labcorp Genetics (formerly Invitae), Labcorp
Classification: Likely benign for Congenital myasthenic syndrome 8. Last evaluated: 2025-08-26. Review status: criteria provided, single submitter. Criteria: Invitae Variant Classification Sherloc (09022015). Collection method: clinical testing. Allele origin: germline.

NM_198576.4(AGRN):c.1187C>T (p.Pro396Leu)

Gene: AGRN (agrin; plus strand). Cytogenetic location: 1p36.33.
Variant type: single nucleotide variant.
Coding change: c.1187C>T on transcript NM_198576.4 (MANE Select); coding-DNA position 1187, C replaced by T.
Protein change: p.Pro396Leu; replaces proline 396 with leucine.
Molecular consequence: missense variant.
Genome position (GRCh38, 1-based): chr1:1,041,965, C>T. VCF-style: chr1-1041965-C-T. GRCh37 (hg19) VCF-style: chr1-977345-C-T.
Other names: c.1187C>T, p.Pro396Leu (NM_001305275.2); c.872C>T, p.Pro291Leu (NM_001364727.2); c.1187C>T (NM_198576.3); short protein forms P291L, P396L.
Identifiers: ClinVar variation 1101670 (VCV001101670.10), dbSNP rs374230348, ClinGen allele CA508065.